The following is an entry in ClinVar:

ClinVar aggregate classification (germline): Pathogenic/Likely pathogenic. Review status: criteria provided, multiple submitters, no conflicts (2 of 4 stars). 4 submissions from 4 submitters: Pathogenic (1); Likely pathogenic (2). 1 of the submissions does not count toward it. Last evaluated 2024-10-15.

Conditions:
Glucose-6-phosphate transport defect (GSD1B). Also called: Glycogen Storage Disease Type Ib; GSD Ib. Identifiers: Orphanet 364, Orphanet 79259, MedGen C0268146, MONDO:0009288, OMIM 232220.

Allele frequency attached by ClinVar (database versions not stated): gnomAD exomes below 0.00001; TOPMed below 0.00001; gnomAD 0.00001.

Submissions (4):

Women's Health and Genetics/Laboratory Corporation of America, LabCorp
Classification: Likely pathogenic for Glucose-6-phosphate transport defect. Last evaluated: 2024-10-15. Review status: criteria provided, single submitter. Criteria: LabCorp Variant Classification Summary - May 2015. Collection method: clinical testing. Allele origin: germline.
Comment: Variant summary: SLC37A4 c.458C>T (p.Pro153Leu) results in a non-conservative amino acid change located in the Major facilitator superfamily domain of the encoded protein sequence. Two of two in-silico tools predict a damaging effect of the variant on protein function. The frequency data for this variant in gnomAD is considered unreliable, as metrics indicate poor data quality at this position. c.458C>T has been reported in the literature in individuals affected with Glycogen Storage Disease Type Ib (Santer_2000, Matern_2002, Internal data). These data indicate that the variant may be associated with disease. At least one publication reports experimental evidence evaluating an impact on protein function. The most pronounced variant effect results in 8.6% microsomal G6P uptake of wild-type (Chen_2002). The following publications have been ascertained in the context of this evaluation (PMID: 12444104, 10923042, NO_PMID). ClinVar contains an entry for this variant (Variation ID: 68282). Based on the evidence outlined above, the variant was classified as likely pathogenic.

Labcorp Genetics (formerly Invitae), Labcorp
Classification: Pathogenic for Glucose-6-phosphate transport defect. Last evaluated: 2024-01-29. Review status: criteria provided, single submitter. Criteria: Invitae Variant Classification Sherloc (09022015). Collection method: clinical testing. Allele origin: germline.
Comment: This sequence change replaces proline, which is neutral and non-polar, with leucine, which is neutral and non-polar, at codon 153 of the SLC37A4 protein (p.Pro153Leu). This variant is not present in population databases (gnomAD no frequency). This missense change has been observed in individual(s) with clinical features of glycogen storage disease (PMID: 10923042, 12373566; Invitae). In at least one individual the data is consistent with being in trans (on the opposite chromosome) from a pathogenic variant. This variant is also known as c.627C>T. ClinVar contains an entry for this variant (Variation ID: 68282). Advanced modeling of protein sequence and biophysical properties (such as structural, functional, and spatial information, amino acid conservation, physicochemical variation, residue mobility, and thermodynamic stability) performed at Invitae indicates that this missense variant is expected to disrupt SLC37A4 protein function with a positive predictive value of 80%. Experimental studies have shown that this missense change affects SLC37A4 function (PMID: 12444104, 18835800). For these reasons, this variant has been classified as Pathogenic.

Baylor Genetics
Classification: Likely pathogenic for Glucose-6-phosphate transport defect. Last evaluated: 2023-06-29. Review status: criteria provided, single submitter. Criteria: ACMG Guidelines, 2015. Collection method: clinical testing. Allele origin: unknown.

UniProtKB/Swiss-Prot
No classification provided. Review status: no classification provided. Collection method: not provided. Allele origin: not provided. Not counted in ClinVar's aggregate classification.

Literature cited by the submitters: PubMed 12373566 (cited by Women's Health and Genetics/Laboratory Corporation of America, LabCorp and Labcorp Genetics (formerly Invitae), Labcorp); PubMed 12444104 (cited by Women's Health and Genetics/Laboratory Corporation of America, LabCorp and Labcorp Genetics (formerly Invitae), Labcorp); PubMed 10923042 (cited by Women's Health and Genetics/Laboratory Corporation of America, LabCorp and Labcorp Genetics (formerly Invitae), Labcorp); PubMed 18835800 (cited by Labcorp Genetics (formerly Invitae), Labcorp).

NM_001164277.2(SLC37A4):c.458C>T (p.Pro153Leu)

Gene: SLC37A4 (solute carrier family 37 member 4; minus strand). Cytogenetic location: 11q23.3.
Variant type: single nucleotide variant.
Coding change: c.458C>T on transcript NM_001164277.2 (MANE Select); coding-DNA position 458, C replaced by T.
Protein change: p.Pro153Leu; replaces proline 153 with leucine.
Molecular consequence: missense variant.
Genome position (GRCh38, 1-based): chr11:119,027,796, G>A on the plus strand (C>T on the coding strand, the complement: SLC37A4 is on the minus strand). VCF-style: chr11-119027796-G-A. GRCh37 (hg19) VCF-style: chr11-118898506-G-A.
Other names: c.458C>T, p.Pro153Leu (NM_001164278.2, NM_001164280.2, NM_001467.6); c.239C>T, p.Pro80Leu (NM_001164279.2); short protein forms P153L, P80L.
Identifiers: ClinVar variation 68282 (VCV000068282.8), dbSNP rs193302890, ClinGen allele CA219325.